The following is an entry in ClinVar:

ClinVar aggregate classification (germline): Uncertain significance. Review status: criteria provided, multiple submitters, no conflicts (2 of 4 stars). 2 submissions from 2 submitters: Uncertain significance (2). Last evaluated 2026-04-20.

Conditions:
Idiopathic generalized epilepsy. Also called: Generalised epilepsy; EIG. Identifiers: MedGen C0270850, MONDO:0005579, OMIM 600669.
Hyperaldosteronism, familial, type IV (HALD4). Also called: FH IV; ALDOSTERONISM, PRIMARY, AND HYPERTENSION. Identifiers: Orphanet 642671, MedGen C4310756, MONDO:0014875, OMIM 617027.

Allele frequency attached by ClinVar (database versions not stated): gnomAD exomes below 0.00001; gnomAD 0.00001; TOPMed 0.00002.
gnomAD v4.1: 6 of 1,610,670 alleles (0.00037%); highest among the groups gnomAD compares: Non-Finnish European, 0.00042%; no homozygotes.

Submissions (3):

Women's Health and Genetics/Laboratory Corporation of America, LabCorp
Classification: Uncertain significance. Last evaluated: 2026-04-20. Review status: criteria provided, single submitter. Criteria: LabCorp Variant Classification Summary - May 2015. Collection method: clinical testing. Allele origin: germline.
Comment: Variant summary: CACNA1H c.4760-2A>G is located in a canonical splice-site and is predicted to affect mRNA splicing resulting in a significantly altered protein due to either exon skipping, shortening, or inclusion of intronic material. Variants that disrupt the consensus splice site are a relatively common cause of aberrant splicing, however current evidence is not sufficient to establish loss of function as a mechanism for disease. Several computational tools predict a significant impact on normal splicing: Four predict the variant abolishes a 3' acceptor site. However, these predictions have yet to be confirmed by functional studies. The variant allele was found at a frequency of 4.1e-06 in 243680 control chromosomes. The available data on variant occurrences in the general population are insufficient to allow any conclusion about variant significance. To our knowledge, no occurrence of c.4760-2A>G in individuals affected with CACNA1H-related conditions and no experimental evidence demonstrating its impact on protein function have been reported. ClinVar contains an entry for this variant (Variation ID: 1430128). Based on the evidence outlined above, the variant was classified as uncertain significance.

Labcorp Genetics (formerly Invitae), Labcorp
Classification: Uncertain significance for Idiopathic generalized epilepsy; Hyperaldosteronism, familial, type IV. Last evaluated: 2025-10-24. Review status: criteria provided, single submitter. Criteria: Invitae Variant Classification Sherloc (09022015). Collection method: clinical testing. Allele origin: germline.
Comment: This sequence change affects an acceptor splice site in intron 25 of the CACNA1H gene. It is expected to disrupt RNA splicing. Variants that disrupt the donor or acceptor splice site typically lead to a loss of protein function (PMID: 16199547), however the current clinical and genetic evidence is not sufficient to establish whether loss-of-function variants in CACNA1H cause disease. The frequency data for this variant in the population databases is considered unreliable, as metrics indicate poor data quality at this position in the gnomAD database. This variant has not been reported in the literature in individuals affected with CACNA1H-related conditions. ClinVar contains an entry for this variant (Variation ID: 1430128). Algorithms developed to predict the effect of sequence changes on RNA splicing suggest that this variant may disrupt the consensus splice site. In summary, the available evidence is currently insufficient to determine the role of this variant in disease. Therefore, it has been classified as a Variant of Uncertain Significance.

Dr. Peter K. Rogan Lab, Western University
No classification provided (evidence only). Condition: Malignant tumor of urinary bladder. Review status: no classification provided. Collection method: in vitro. Allele origin: not applicable. Functional consequence: skipped exon. Not counted in ClinVar's aggregate classification.

Literature cited by the submitters: PubMed 16199547 (cited by Labcorp Genetics (formerly Invitae), Labcorp).

NM_021098.3(CACNA1H):c.4760-2A>G

Gene: CACNA1H (calcium voltage-gated channel subunit alpha1 H; plus strand). Cytogenetic location: 16p13.3.
Variant type: single nucleotide variant.
Coding change: c.4760-2A>G on transcript NM_021098.3 (MANE Select); the canonical splice acceptor site of the intron before coding-DNA position 4760, A replaced by G.
Molecular consequence: splice acceptor variant. On other transcripts: intron variant (1).
Genome position (GRCh38, 1-based): chr16:1,212,509, A>G. VCF-style: chr16-1212509-A-G. GRCh37 (hg19) VCF-style: chr16-1262509-A-G.
Other names: c.4759+371A>G (NM_001005407.2).
Identifiers: ClinVar variation 1430128 (VCV001430128.11), dbSNP rs1468821137, ClinGen allele CA394181396.